The following is an entry in ClinVar:

ClinVar aggregate classification (germline): Uncertain significance (1 of 4 stars; one submission).

Conditions:
Familial thoracic aortic aneurysm and aortic dissection (TAAD). Also called: Thoracic aortic aneurysms and dissections. Identifiers: Orphanet 91387, MedGen C4707243, MONDO:0019625.

Allele frequency attached by ClinVar (database versions not stated): TOPMed 0.00001.

Submission:

Ambry Genetics
Classification: Uncertain significance for Familial thoracic aortic aneurysm and aortic dissection. Last evaluated: 2021-11-19. Review status: criteria provided, single submitter. Criteria: Ambry Variant Classification Scheme 2023. Collection method: clinical testing. Allele origin: germline.
Comment: The p.D1877Y variant (also known as c.5629G>T), located in coding exon 31 of the MYLK gene, results from a G to T substitution at nucleotide position 5629. The aspartic acid at codon 1877 is replaced by tyrosine, an amino acid with highly dissimilar properties. This amino acid position is conserved. In addition, this alteration is predicted to be deleterious by in silico analysis. Since supporting evidence is limited at this time, the clinical significance of this alteration remains unclear.

NM_053025.4(MYLK):c.5629G>T (p.Asp1877Tyr)

Genes: MYLK (myosin light chain kinase; minus strand), MYLK-AS1 (MYLK antisense RNA 1; plus strand). Cytogenetic location: 3q21.1.
Variant type: single nucleotide variant.
Coding change: c.5629G>T on transcript NM_053025.4 (MANE Select); coding-DNA position 5629, G replaced by T.
Protein change: p.Asp1877Tyr; replaces aspartic acid 1877 with tyrosine.
Molecular consequence: missense variant.
Genome position (GRCh38, 1-based): chr3:123,614,221, C>A on the plus strand (G>T on the coding strand, the complement: MYLK is on the minus strand). VCF-style: chr3-123614221-C-A. GRCh37 (hg19) VCF-style: chr3-123333068-C-A.
Other names: c.5101G>T, p.Asp1701Tyr (NM_001321309.2); c.5422G>T, p.Asp1808Tyr (NM_053026.4); c.5476G>T, p.Asp1826Tyr (NM_053027.4); c.5269G>T, p.Asp1757Tyr (NM_053028.4); c.346G>T, p.Asp116Tyr (NM_053031.4); c.349G>T, p.Asp117Tyr (NM_053032.4); short protein forms D116Y, D117Y, D1701Y, D1877Y, D1757Y, D1808Y, D1826Y.
Identifiers: ClinVar variation 1748726 (VCV001748726.2), dbSNP rs1302750305, ClinGen allele CA354228835.